The following is an entry in ClinVar:

NM_000183.3(HADHB):c.1013+31del

Gene: HADHB (hydroxyacyl-CoA dehydrogenase trifunctional multienzyme complex subunit beta; plus strand). Cytogenetic location: 2p23.3.
Variant type: Deletion.
Coding change: c.1013+31del on transcript NM_000183.3 (MANE Select); 31 bases into the intron after coding-DNA position 1013, one base deleted (G; older notation c.1013+31delG).
Molecular consequence: intron variant.
Genome position (GRCh38, 1-based): chr2:26,282,955, G deleted. VCF-style (leftmost placement, unchanged base first): chr2-26282954-TG-T. GRCh37 (hg19) VCF-style: chr2-26505822-TG-T.
Other names: p.?; c.968+31del (NM_001281512.2); c.947+31del (NM_001281513.2).
Identifiers: ClinVar variation 4684553 (VCV004684553.1).

ClinVar aggregate classification (germline): Likely benign (1 of 4 stars; one submission).

Submission:

Mayo Clinic Laboratories, Mayo Clinic
Classification: Likely benign. Last evaluated: 2025-12-04. Review status: criteria provided, single submitter. Criteria: ACMG Guidelines, 2015. Collection method: clinical testing. Allele origin: germline. Observed: 1 variant allele.
Comment: BS1, BP4, BP7